The following is an entry in ClinVar:

ClinVar aggregate classification (germline): Likely benign (0 of 4 stars; one submission).

Conditions:
CD81-related disorder. Also called: CD81-related condition.

Allele frequency attached by ClinVar (database versions not stated): ExAC 0.00002; TOPMed 0.00002; gnomAD 0.00003; gnomAD exomes 0.00003; ESP Exome Variant Server 0.00008.
gnomAD v4.1: 50 of 1,612,246 alleles (0.0031%); highest among the groups gnomAD compares: Admixed American, 0.0083%; no homozygotes.

Submission:

PreventionGenetics, part of Exact Sciences
Classification: Likely benign for CD81-related condition. Last evaluated: 2019-09-05. Review status: no assertion criteria provided. Collection method: clinical testing. Allele origin: germline.
Comment: This variant is classified as likely benign based on ACMG/AMP sequence variant interpretation guidelines (Richards et al. 2015 PMID: 25741868, with internal and published modifications).

NM_004356.4(CD81):c.*7G>A

Gene: CD81 (CD81 molecule; plus strand). Cytogenetic location: 11p15.5.
Variant type: single nucleotide variant.
Coding change: c.*7G>A on transcript NM_004356.4 (MANE Select); 7 bases downstream of the stop codon, G replaced by A.
Molecular consequence: 3 prime UTR variant.
Genome position (GRCh38, 1-based): chr11:2,396,873, G>A. VCF-style: chr11-2396873-G-A. GRCh37 (hg19) VCF-style: chr11-2418103-G-A.
Other names: c.*7G>A (NM_001297649.2, NM_001425129.1, NM_001425130.1 and 6 more transcripts).
Identifiers: ClinVar variation 3052378 (VCV003052378.2), dbSNP rs368448552, ClinGen allele CA5820173.